The following is an entry in ClinVar:

ClinVar aggregate classification (germline): Likely benign (1 of 4 stars; one submission).

Allele frequency attached by ClinVar (database versions not stated): gnomAD exomes 0.00268; 1000 Genomes Project 0.00160; 1000 Genomes Project 30x 0.00203; ESP Exome Variant Server 0.00197; TOPMed 0.00217.
gnomAD v4.1: 3,939 of 1,494,850 alleles (0.26%); highest among the groups gnomAD compares: Middle Eastern, 0.74%; 13 homozygotes.

Submission:

CeGaT Center for Human Genetics Tuebingen
Classification: Likely benign. Last evaluated: 2023-05-01. Review status: criteria provided, single submitter. Criteria: CeGaT Center For Human Genetics Tuebingen Variant Classification Criteria Version 2. Collection method: clinical testing. Allele origin: germline. Affected: yes. Observed: 2 variant alleles.
Comment: BCAR1: BP4, BP7

NM_001170715.3(BCAR1):c.66+3450C>G

Gene: BCAR1 (BCAR1 scaffold protein, Cas family member; minus strand). Cytogenetic location: 16q23.1.
Variant type: single nucleotide variant.
Coding change: c.66+3450C>G on transcript NM_001170715.3; 3450 bases into the intron after coding-DNA position 66, C replaced by G.
Molecular consequence: intron variant. On other transcripts: synonymous variant (1).
Genome position (GRCh38, 1-based): chr16:75,264,465, G>C on the plus strand (C>G on the coding strand, the complement: BCAR1 is on the minus strand). VCF-style: chr16-75264465-G-C. GRCh37 (hg19) VCF-style: chr16-75298363-G-C.
Other names: c.36C>G, p.Leu12= (NM_001170714.3); c.66+2249C>G (NM_001170716.3); c.12+1360C>G (NM_001170718.3); c.-153+1360C>G (NM_001170720.3).
Identifiers: ClinVar variation 2646875 (VCV002646875.22), dbSNP rs181973321, ClinGen allele CA8174626.